The following is an entry in ClinVar:

ClinVar aggregate classification (germline): Conflicting classifications of pathogenicity. Review status: criteria provided, conflicting classifications (1 of 4 stars). 2 submissions from 2 submitters: Uncertain significance (1); Benign (1). Last evaluated 2025-06-27.

Submissions (2):

Labcorp Genetics (formerly Invitae), Labcorp
Classification: Uncertain significance. Last evaluated: 2025-06-27. Review status: criteria provided, single submitter. Criteria: Invitae Variant Classification Sherloc (09022015). Collection method: clinical testing. Allele origin: germline.
Comment: This sequence change replaces arginine, which is basic and polar, with isoleucine, which is neutral and non-polar, at codon 713 of the ADGRE2 protein (p.Arg713Ile). This variant is present in population databases (rs200295887, gnomAD 0.004%). This variant has not been reported in the literature in individuals affected with ADGRE2-related conditions. ClinVar contains an entry for this variant (Variation ID: 1684795). An algorithm developed to predict the effect of missense changes on protein structure and function (PolyPhen-2) suggests that this variant is likely to be disruptive. In summary, the available evidence is currently insufficient to determine the role of this variant in disease. Therefore, it has been classified as a Variant of Uncertain Significance.

Mendelics
Classification: Benign. Last evaluated: 2022-05-04. Review status: criteria provided, single submitter. Criteria: Mendelics Assertion Criteria 2019. Collection method: clinical testing. Allele origin: germline.

NM_013447.4(ADGRE2):c.2138G>T (p.Arg713Ile)

Gene: ADGRE2 (adhesion G protein-coupled receptor E2; minus strand). Cytogenetic location: 19p13.12.
Variant type: single nucleotide variant.
Coding change: c.2138G>T on transcript NM_013447.4 (MANE Select); coding-DNA position 2138, G replaced by T.
Protein change: p.Arg713Ile; replaces arginine 713 with isoleucine.
Molecular consequence: missense variant.
Genome position (GRCh38, 1-based): chr19:14,746,277, C>A on the plus strand (G>T on the coding strand, the complement: ADGRE2 is on the minus strand). VCF-style: chr19-14746277-C-A. GRCh37 (hg19) VCF-style: chr19-14857089-C-A.
Other names: c.1964G>T, p.Arg655Ile (NM_001271052.1); short protein forms R655I, R713I.
Identifiers: ClinVar variation 1684795 (VCV001684795.6), dbSNP rs200295887, ClinGen allele CA9257459.
Genomic context (GRCh38, chr19:14,746,277, plus strand): 5'-CCTTCTCCATCTTACCTTGTGTTCCGGAGGGTGGACACTTCACTATTGAGGGAGGAGAGT[C>A]TGTTTTTCAAAATCCAGAGAGTCACCAGAAAGAGAACTAAATTCACCTTCAGAAAACCAC-3'
Protein context (NP_038475.2, residues 703-723): FLVTLWILKN[Arg713Ile]LSSLNSEVST